The following is an entry in ClinVar:

NM_002878.4(RAD51D):c.317_320del (p.Val106fs)

Genes: RAD51L3-RFFL (RAD51L3-RFFL readthrough; minus strand), RAD51D (RAD51 paralog D; minus strand). Cytogenetic location: 17q12.
Variant type: Deletion.
Coding change: c.317_320del on transcript NM_002878.4 (MANE Select); coding-DNA positions 317 to 320, 4 bases deleted (TAGG; older notation c.317_320delTAGG).
Protein change: p.Val106fs; shifts the reading frame from valine 106.
Molecular consequence: frameshift variant. On other transcripts: non-coding transcript variant (2), intron variant (1).
Genome position (GRCh38, 1-based): chr17:35,107,391-35,107,394, CCTA deleted on the plus strand (TAGG on the coding strand, the reverse complement: RAD51D is on the minus strand); deleting any 4 consecutive bases within chr17:35,107,391-35,107,395 gives the same sequence; the c. name uses the placement nearest the transcript's 3' end. VCF-style (leftmost placement, unchanged base first): chr17-35107390-TCCTA-T. GRCh37 (hg19) VCF-style: chr17-33434409-TCCTA-T.
Other names: c.377_380del, p.Val126fs (NM_001142571.2); c.145-913_145-910del (NM_133629.3); c.317_320delTAGG (NM_002878.3); short protein forms V106fs, V126fs.
Identifiers: ClinVar variation 1728425 (VCV001728425.2), dbSNP rs2509142628, ClinGen allele CA2580093224.
Genomic context (GRCh38, chr17:35,107,390, plus strand): 5'-CCCCTAAATCCTCCTGACTGCTGGCCTCACATGTACCTGAGTTTTGCCGCTACCTGGGCC[TCCTA>T]CAATTTCAGTCACTTCTCCAGTATAGAGACCAGCATCAAGCAGTTTATCAAGACTGATGG-3'

ClinVar aggregate classification (germline): Pathogenic (1 of 4 stars; one submission).

Conditions:
Hereditary cancer-predisposing syndrome. Also called: Tumor predisposition; Neoplastic Syndromes, Hereditary; Hereditary Cancer Syndrome; Hereditary neoplastic syndrome. Identifiers: Orphanet 140162, MedGen C0027672, MeSH D009386, MONDO:0015356.

Submission:

Ambry Genetics
Classification: Pathogenic for Hereditary cancer-predisposing syndrome. Last evaluated: 2023-12-04. Review status: criteria provided, single submitter. Criteria: Ambry Variant Classification Scheme 2023. Collection method: clinical testing. Allele origin: germline.
Comment: The c.317_320delTAGG pathogenic mutation, located in coding exon 4 of the RAD51D gene, results from a deletion of 4 nucleotides at nucleotide positions 317 to 320, causing a translational frameshift with a predicted alternate stop codon (p.V106Efs*29). This alteration is expected to result in loss of function by premature protein truncation or nonsense-mediated mRNA decay. As such, this alteration is interpreted as a disease-causing mutation.